The following is an entry in ClinVar:

NM_004531.5(MOCS2):c.206G>A (p.Gly69Asp)

Gene: MOCS2 (molybdenum cofactor synthesis 2; minus strand). Cytogenetic location: 5q11.2.
Variant type: single nucleotide variant.
Coding change: c.206G>A on transcript NM_004531.5 (MANE Select); coding-DNA position 206, G replaced by A.
Protein change: p.Gly69Asp; replaces glycine 69 with aspartic acid.
Molecular consequence: missense variant. On other transcripts: 3 prime UTR variant (1).
Genome position (GRCh38, 1-based): chr5:53,102,117, C>T on the plus strand (G>A on the coding strand, the complement: MOCS2 is on the minus strand). VCF-style: chr5-53102117-C-T. GRCh37 (hg19) VCF-style: chr5-52397947-C-T.
Other names: c.*126G>A (NM_176806.4); short protein forms G69D.
Identifiers: ClinVar variation 1420906 (VCV001420906.3), dbSNP rs754818995, ClinGen allele CA3263695.

ClinVar aggregate classification (germline): Uncertain significance (1 of 4 stars; one submission).

Allele frequency attached by ClinVar (database versions not stated): ExAC 0.00001; gnomAD exomes below 0.00001.
gnomAD v4.1: 1 of 1,613,756 alleles (0.000062%); highest among the groups gnomAD compares: South Asian, 0.0011%; no homozygotes.

Submission:

Labcorp Genetics (formerly Invitae), Labcorp
Classification: Uncertain significance. Last evaluated: 2021-08-17. Review status: criteria provided, single submitter. Criteria: Invitae Variant Classification Sherloc (09022015). Collection method: clinical testing. Allele origin: germline.
Comment: This sequence change replaces glycine with aspartic acid at codon 69 of the MOCS2B protein (p.Gly69Asp). The glycine residue is highly conserved and there is a moderate physicochemical difference between glycine and aspartic acid. This variant is present in population databases (rs754818995, ExAC 0.006%). This variant has not been reported in the literature in individuals affected with MOCS2B-related conditions. Algorithms developed to predict the effect of missense changes on protein structure and function (SIFT, PolyPhen-2, Align-GVGD) all suggest that this variant is likely to be disruptive. In summary, the available evidence is currently insufficient to determine the role of this variant in disease. Therefore, it has been classified as a Variant of Uncertain Significance.